The following is an entry in ClinVar:

ClinVar aggregate classification (germline): Uncertain significance (0 of 4 stars; one submission).

Conditions:
DNHD1-related disorder. Also called: DNHD1-related condition.

Submission:

PreventionGenetics, part of Exact Sciences
Classification: Uncertain significance for DNHD1-related condition. Last evaluated: 2024-09-19. Review status: no assertion criteria provided. Collection method: clinical testing. Allele origin: germline.
Comment: The DNHD1 c.4603A>G variant is predicted to result in the amino acid substitution p.Met1535Val. To our knowledge, this variant has not been reported in the literature or in a large population database, indicating this variant is rare. At this time, the clinical significance of this variant is uncertain due to the absence of conclusive functional and genetic evidence.

NM_144666.3(DNHD1):c.4603A>G (p.Met1535Val)

Gene: DNHD1 (dynein heavy chain domain 1; plus strand). Cytogenetic location: 11p15.4.
Variant type: single nucleotide variant.
Coding change: c.4603A>G on transcript NM_144666.3 (MANE Select); coding-DNA position 4603, A replaced by G.
Protein change: p.Met1535Val; replaces methionine 1535 with valine.
Molecular consequence: missense variant.
Genome position (GRCh38, 1-based): chr11:6,545,542, A>G. VCF-style: chr11-6545542-A-G. GRCh37 (hg19) VCF-style: chr11-6566772-A-G.
Other names: short protein forms M1535V.
Identifiers: ClinVar variation 3353811 (VCV003353811.1).